The following is an entry in ClinVar:

NM_181507.2(HPS5):c.80C>T (p.Ala27Val)

Gene: HPS5 (HPS5 biogenesis of lysosomal organelles complex 2 subunit 2; minus strand). Cytogenetic location: 11p15.1.
Variant type: single nucleotide variant.
Coding change: c.80C>T on transcript NM_181507.2 (MANE Select); coding-DNA position 80, C replaced by T.
Protein change: p.Ala27Val; replaces alanine 27 with valine.
Molecular consequence: missense variant. On other transcripts: 5 prime UTR variant (3), intron variant (14).
Genome position (GRCh38, 1-based): chr11:18,317,779, G>A on the plus strand (C>T on the coding strand, the complement: HPS5 is on the minus strand). VCF-style: chr11-18317779-G-A. GRCh37 (hg19) VCF-style: chr11-18339326-G-A.
Other names: c.80C>T, p.Ala27Val (NM_001440902.1, NM_001440903.1, NM_001440904.1 and 9 more transcripts); c.-112C>T (NM_001440907.1, NM_001440908.1, NM_001440918.1); c.-124+4354C>T (NM_001440929.1); c.-235+4354C>T (NM_181508.2, NM_001440921.1); c.-124+4298C>T (NM_001440926.1); c.-235+4298C>T (NM_001440925.1, NM_001440920.1); c.-124+4167C>T (NM_001440928.1, NM_001440922.1); c.-235+4167C>T (NM_001440927.1, NM_001440930.1, NM_007216.4 and 2 more transcripts); and 1 more; short protein forms A27V.
Identifiers: ClinVar variation 3729309 (VCV003729309.2).

ClinVar aggregate classification (germline): Uncertain significance (1 of 4 stars; one submission).

gnomAD v4.1: 1 of 1,613,862 alleles (0.000062%); highest among the groups gnomAD compares: African/African-American, 0.0013%; no homozygotes.

Submission:

Labcorp Genetics (formerly Invitae), Labcorp
Classification: Uncertain significance. Last evaluated: 2025-03-14. Review status: criteria provided, single submitter. Criteria: Invitae Variant Classification Sherloc (09022015). Collection method: clinical testing. Allele origin: germline.
Comment: This sequence change replaces alanine, which is neutral and non-polar, with valine, which is neutral and non-polar, at codon 27 of the HPS5 protein (p.Ala27Val). This variant is not present in population databases (gnomAD no frequency). This variant has not been reported in the literature in individuals affected with HPS5-related conditions. An algorithm developed to predict the effect of missense changes on protein structure and function (PolyPhen-2) suggests that this variant is likely to be disruptive. In summary, the available evidence is currently insufficient to determine the role of this variant in disease. Therefore, it has been classified as a Variant of Uncertain Significance.